The following is an entry in ClinVar:

NM_153240.5(NPHP3):c.315G>C (p.Lys105Asn)

Genes: NPHP3 (nephrocystin 3; minus strand), NPHP3-ACAD11 (NPHP3-ACAD11 readthrough (NMD candidate); minus strand), NPHP3-AS1 (NPHP3 antisense RNA 1; plus strand). Cytogenetic location: 3q22.1.
Variant type: single nucleotide variant.
Coding change: c.315G>C on transcript NM_153240.5 (MANE Select); coding-DNA position 315, G replaced by C.
Protein change: p.Lys105Asn; replaces lysine 105 with asparagine.
Molecular consequence: missense variant. On other transcripts: non-coding transcript variant (3).
Genome position (GRCh38, 1-based): chr3:132,722,041, C>G on the plus strand (G>C on the coding strand, the complement: NPHP3 is on the minus strand). VCF-style: chr3-132722041-C-G. GRCh37 (hg19) VCF-style: chr3-132440885-C-G.
Other names: short protein forms K105N.
Identifiers: ClinVar variation 4713932 (VCV004713932.1).

ClinVar aggregate classification (germline): Uncertain significance (1 of 4 stars; one submission).

Conditions:
Nephronophthisis. Also called: Juvenile Nephronophthisis. Identifiers: Orphanet 655, MedGen C0687120, MONDO:0019005, HP:0000090.

Submission:

Labcorp Genetics (formerly Invitae), Labcorp
Classification: Uncertain significance for Nephronophthisis. Last evaluated: 2025-11-02. Review status: criteria provided, single submitter. Criteria: Invitae Variant Classification Sherloc (09022015). Collection method: clinical testing. Allele origin: germline.
Comment: This sequence change replaces lysine, which is basic and polar, with asparagine, which is neutral and polar, at codon 105 of the NPHP3 protein (p.Lys105Asn). This variant is not present in population databases (gnomAD no frequency). This variant has not been reported in the literature in individuals affected with NPHP3-related conditions. Invitae Evidence Modeling of protein sequence and biophysical properties (such as structural, functional, and spatial information, amino acid conservation, physicochemical variation, residue mobility, and thermodynamic stability) indicates that this missense variant is not expected to disrupt NPHP3 protein function with a negative predictive value of 95%. In summary, the available evidence is currently insufficient to determine the role of this variant in disease. Therefore, it has been classified as a Variant of Uncertain Significance.